The following is an entry in ClinVar:

NM_031885.5(BBS2):c.89_90dup (p.Leu31fs)

Gene: BBS2 (Bardet-Biedl syndrome 2; minus strand). Cytogenetic location: 16q13.
Variant type: Duplication.
Coding change: c.89_90dup on transcript NM_031885.5 (MANE Select); coding-DNA positions 89 to 90, 2 bases duplicated (GC; older notation c.89_90dupGC).
Protein change: p.Leu31fs; shifts the reading frame from leucine 31.
Molecular consequence: frameshift variant. On other transcripts: non-coding transcript variant (5).
Genome position (GRCh38, 1-based): chr16:56,519,773-56,519,774, GC duplicated on the plus strand (GC on the coding strand, the reverse complement: BBS2 is on the minus strand). VCF-style (leftmost placement, unchanged base first): chr16-56519772-G-GGC. GRCh37 (hg19) VCF-style: chr16-56553684-G-GGC.
Other names: c.89_90dup, p.Leu31fs (NM_001377456.1); short protein forms L31fs.
Identifiers: ClinVar variation 2121965 (VCV002121965.5), dbSNP rs2543755742, ClinGen allele CA2580091663.

ClinVar aggregate classification (germline): Pathogenic. Review status: criteria provided, multiple submitters, no conflicts (2 of 4 stars). 2 submissions from 2 submitters: Pathogenic (2). Last evaluated 2023-12-09.

Conditions:
BBS2-related ciliopathy. Identifiers: MedGen CN378634, MONDO:1040048.
Bardet-Biedl syndrome (BBS). Identifiers: Orphanet 110, MedGen C0752166, MONDO:0015229.

Allele frequency attached by ClinVar (database versions not stated): gnomAD exomes 0.00001.

Submissions (2):

Myriad Genetics, Inc.
Classification: Pathogenic for BBS2-related ciliopathy. Last evaluated: 2023-12-09. Review status: criteria provided, single submitter. Criteria: Myriad Autosomal Dominant, Autosomal Recessive and X-Linked Classification Criteria (2023). Collection method: clinical testing. Allele origin: unknown.
Comment: NM_031885.3(BBS2):c.89_90dupGC(L31Afs*49) is expected to be pathogenic in the context of Bardet-Biedl syndrome, BBS2-related. This variant is predicted to lead to an abnormal or absent protein product due to the creation of a premature termination codon in BBS2, a gene where loss-of-function variants are known to be pathogenic. Please note: this variant was assessed in the context of healthy population screening.

Labcorp Genetics (formerly Invitae), Labcorp
Classification: Pathogenic for Bardet-Biedl syndrome. Last evaluated: 2022-04-06. Review status: criteria provided, single submitter. Criteria: Invitae Variant Classification Sherloc (09022015). Collection method: clinical testing. Allele origin: germline.
Comment: For these reasons, this variant has been classified as Pathogenic. This variant has not been reported in the literature in individuals affected with BBS2-related conditions. This variant is not present in population databases (gnomAD no frequency). This sequence change creates a premature translational stop signal (p.Leu31Alafs*49) in the BBS2 gene. It is expected to result in an absent or disrupted protein product. Loss-of-function variants in BBS2 are known to be pathogenic (PMID: 11285252, 20177705, 24608809, 26518167).

Literature cited by the submitters: PubMed 11285252 (cited by Labcorp Genetics (formerly Invitae), Labcorp); PubMed 20177705 (cited by Labcorp Genetics (formerly Invitae), Labcorp); PubMed 24608809 (cited by Labcorp Genetics (formerly Invitae), Labcorp); PubMed 26518167 (cited by Labcorp Genetics (formerly Invitae), Labcorp).